The following is an entry in ClinVar:

NM_020911.2(PLXNA4):c.5195C>T (p.Pro1732Leu)

Gene: PLXNA4 (plexin A4; minus strand). Cytogenetic location: 7q32.3.
Variant type: single nucleotide variant.
Coding change: c.5195C>T on transcript NM_020911.2 (MANE Select); coding-DNA position 5195, C replaced by T.
Protein change: p.Pro1732Leu; replaces proline 1732 with leucine.
Molecular consequence: missense variant.
Genome position (GRCh38, 1-based): chr7:132,145,149, G>A on the plus strand (C>T on the coding strand, the complement: PLXNA4 is on the minus strand). VCF-style: chr7-132145149-G-A. GRCh37 (hg19) VCF-style: chr7-131829908-G-A.
Other names: c.5195C>T, p.Pro1732Leu (NM_001393897.1); short protein forms P1732L.
Identifiers: ClinVar variation 3353210 (VCV003353210.1).

ClinVar aggregate classification (germline): Uncertain significance (0 of 4 stars; one submission).

Conditions:
PLXNA4-related disorder. Also called: PLXNA4-related condition.

gnomAD v4.1: 29 of 1,613,972 alleles (0.0018%); highest among the groups gnomAD compares: African/African-American, 0.004%; no homozygotes.

Submission:

PreventionGenetics, part of Exact Sciences
Classification: Uncertain significance for PLXNA4-related condition. Last evaluated: 2024-04-12. Review status: no assertion criteria provided. Collection method: clinical testing. Allele origin: germline.
Comment: The PLXNA4 c.5195C>T variant is predicted to result in the amino acid substitution p.Pro1732Leu. To our knowledge, this variant has not been reported in the literature. This variant is reported in 0.012% of alleles in individuals of African descent in gnomAD. At this time, the clinical significance of this variant is uncertain due to the absence of conclusive functional and genetic evidence.